The following is an entry in ClinVar:

NM_000642.3(AGL):c.3897A>C (p.Glu1299Asp)

Gene: AGL (amylo-alpha-1,6-glucosidase and 4-alpha-glucanotransferase; plus strand). Cytogenetic location: 1p21.2.
Variant type: single nucleotide variant.
Coding change: c.3897A>C on transcript NM_000642.3 (MANE Select); coding-DNA position 3897, A replaced by C.
Protein change: p.Glu1299Asp; replaces glutamic acid 1299 with aspartic acid.
Molecular consequence: missense variant.
Genome position (GRCh38, 1-based): chr1:99,912,465, A>C. VCF-style: chr1-99912465-A-C. GRCh37 (hg19) VCF-style: chr1-100378021-A-C.
Other names: c.3897A>C, p.Glu1299Asp (NM_000028.3, NM_000643.3, NM_000644.3 and 1 more transcripts); c.3849A>C, p.Glu1283Asp (NM_000646.3); c.3876A>C, p.Glu1292Asp (NM_001425326.1); c.3696A>C, p.Glu1232Asp (NM_001425327.1); c.3693A>C, p.Glu1231Asp (NM_001425328.1); c.3558A>C, p.Glu1186Asp (NM_001425329.1); c.3519A>C, p.Glu1173Asp (NM_001425332.1); short protein forms E1283D, E1299D, E1173D, E1186D, E1231D, E1232D, E1292D.
Identifiers: ClinVar variation 1496292 (VCV001496292.6), dbSNP rs2100854534, ClinGen allele CA341338874.

ClinVar aggregate classification (germline): Uncertain significance (1 of 4 stars; one submission).

Conditions:
Glycogen storage disease type III (GSD3). Also called: Cori disease; FORBES DISEASE. Identifiers: Orphanet 366, MedGen C0017922, MONDO:0009291, OMIM 232400.

Submission:

Labcorp Genetics (formerly Invitae), Labcorp
Classification: Uncertain significance for Glycogen storage disease type III. Last evaluated: 2022-07-19. Review status: criteria provided, single submitter. Criteria: Invitae Variant Classification Sherloc (09022015). Collection method: clinical testing. Allele origin: germline.
Comment: This variant has not been reported in the literature in individuals affected with AGL-related conditions. In summary, the available evidence is currently insufficient to determine the role of this variant in disease. Therefore, it has been classified as a Variant of Uncertain Significance. Algorithms developed to predict the effect of missense changes on protein structure and function (SIFT, PolyPhen-2, Align-GVGD) all suggest that this variant is likely to be tolerated. ClinVar contains an entry for this variant (Variation ID: 1496292). This variant is not present in population databases (gnomAD no frequency). This sequence change replaces glutamic acid, which is acidic and polar, with aspartic acid, which is acidic and polar, at codon 1299 of the AGL protein (p.Glu1299Asp).